The following is an entry in ClinVar:

ClinVar aggregate classification (germline): Uncertain significance (1 of 4 stars; one submission).

Submission:

Laboratory for Molecular Medicine, Mass General Brigham Personalized Medicine
Classification: Uncertain significance. Last evaluated: 2018-10-29. Review status: criteria provided, single submitter. Criteria: LMM Criteria. Collection method: clinical testing. Allele origin: germline. Observed: 1 variant allele.
Comment: This deletion encompasses MIR96; however, please note that the exact breakpoints of this deletion could not be determined by this assay. Several multi-gene dele tions encompassing MIR96 have been reported in individuals with developmental de lay and other features in the DECIPHER database, however hearing loss was not re ported for any of these individuals and the deletions reported impacted >200 gen es. Recurrent smaller deletions encompassing onl y the miR-183/182/96 cluster and the 3? end of an adjacent gene (NRF1) have been reported in dbVar in several control population studies with one study reportin g a MAF of 0.3% (12/4052 alleles) in healthy controls (Shaikh 2009), which sugge st that the loss of MIR96 is not likely to be disease causing. However, due to t he technical limitation of this assay in detecting the breakpoints and length of this deletion, the impact of this deletion on neighboring disease-relevant gene s cannot be determined. In summary, although loss of MIR96 is not expected to be related to hearing loss, due to uncertainty regarding the size and breakpoints of the deletion, the clinical significance of this deletion is uncertain. ACMG/A MP criteria applied: none.

Literature cited by the submitters: PubMed 19363478; PubMed 19363479; PubMed 19592680.

Single allele

Gene: MIR96 (microRNA 96; minus strand). Cytogenetic location: 7q32.2.
Variant type: Deletion.
Identifiers: ClinVar variation 667263 (VCV000667263.4).